The following is an entry in ClinVar:

NM_003640.5(ELP1):c.3482A>G (p.Gln1161Arg)

Gene: ELP1 (elongator acetyltransferase complex subunit 1; minus strand). Cytogenetic location: 9q31.3.
Variant type: single nucleotide variant.
Coding change: c.3482A>G on transcript NM_003640.5 (MANE Select); coding-DNA position 3482, A replaced by G.
Protein change: p.Gln1161Arg; replaces glutamine 1161 with arginine.
Molecular consequence: missense variant.
Genome position (GRCh38, 1-based): chr9:108,879,536, T>C on the plus strand (A>G on the coding strand, the complement: ELP1 is on the minus strand). VCF-style: chr9-108879536-T-C. GRCh37 (hg19) VCF-style: chr9-111641816-T-C.
Other names: c.3140A>G, p.Gln1047Arg (NM_001318360.2); c.2435A>G, p.Gln812Arg (NM_001330749.2); short protein forms Q1161R, Q812R, Q1047R.
Identifiers: ClinVar variation 2110186 (VCV002110186.4), dbSNP rs1178343860, ClinGen allele CA374411940.
Genomic context (GRCh38, chr9:108,879,536, plus strand): 5'-TTGCCACTCATCTCACTGCCACTCACGACACTGCTAGTTTCAGAGAAGAGGTCTGACTCT[T>C]GCCCGTGGGGTACCTCATCATCTAGAAAAGAAGAACCAGAAGCCGATGAAAACACTGCCT-3'
Protein context (NP_003631.2, residues 1151-1171): AGLDDEVPHG[Gln1161Arg]ESDLFSETSS

ClinVar aggregate classification (germline): Uncertain significance (1 of 4 stars; one submission).

Allele frequency attached by ClinVar (database versions not stated): gnomAD exomes below 0.00001.
gnomAD v4.1: 1 of 1,614,032 alleles (0.000062%); highest among the groups gnomAD compares: Middle Eastern, 0.016%; no homozygotes.

Submission:

Labcorp Genetics (formerly Invitae), Labcorp
Classification: Uncertain significance. Last evaluated: 2022-06-13. Review status: criteria provided, single submitter. Criteria: Invitae Variant Classification Sherloc (09022015). Collection method: clinical testing. Allele origin: germline.
Comment: Algorithms developed to predict the effect of missense changes on protein structure and function (SIFT, PolyPhen-2, Align-GVGD) all suggest that this variant is likely to be tolerated. This variant has not been reported in the literature in individuals affected with ELP1-related conditions. This variant is not present in population databases (gnomAD no frequency). This sequence change replaces glutamine, which is neutral and polar, with arginine, which is basic and polar, at codon 1161 of the ELP1 protein (p.Gln1161Arg). In summary, the available evidence is currently insufficient to determine the role of this variant in disease. Therefore, it has been classified as a Variant of Uncertain Significance.